The following is an entry in ClinVar:

ClinVar aggregate classification (germline): Uncertain significance (1 of 4 stars; one submission).

Submission:

Labcorp Genetics (formerly Invitae), Labcorp
Classification: Uncertain significance. Last evaluated: 2024-05-15. Review status: criteria provided, single submitter. Criteria: Invitae Variant Classification Sherloc (09022015). Collection method: clinical testing. Allele origin: germline.
Comment: This sequence change replaces isoleucine, which is neutral and non-polar, with methionine, which is neutral and non-polar, at codon 101 of the FAR1 protein (p.Ile101Met). This variant is not present in population databases (gnomAD no frequency). This variant has not been reported in the literature in individuals affected with FAR1-related conditions. ClinVar contains an entry for this variant (Variation ID: 2001897). Advanced modeling of protein sequence and biophysical properties (such as structural, functional, and spatial information, amino acid conservation, physicochemical variation, residue mobility, and thermodynamic stability) performed at Invitae indicates that this missense variant is not expected to disrupt FAR1 protein function with a negative predictive value of 80%. In summary, the available evidence is currently insufficient to determine the role of this variant in disease. Therefore, it has been classified as a Variant of Uncertain Significance.

NM_032228.6(FAR1):c.303C>G (p.Ile101Met)

Gene: FAR1 (fatty acyl-CoA reductase 1; plus strand). Cytogenetic location: 11p15.3.
Variant type: single nucleotide variant.
Coding change: c.303C>G on transcript NM_032228.6 (MANE Select); coding-DNA position 303, C replaced by G.
Protein change: p.Ile101Met; replaces isoleucine 101 with methionine.
Molecular consequence: missense variant.
Genome position (GRCh38, 1-based): chr11:13,700,430, C>G. VCF-style: chr11-13700430-C-G. GRCh37 (hg19) VCF-style: chr11-13721977-C-G.
Other names: short protein forms I101M.
Identifiers: ClinVar variation 2001897 (VCV002001897.4), dbSNP rs1021529208, ClinGen allele CA218129626.
Genomic context (GRCh38, chr11:13,700,430, plus strand): 5'-AATCAACAGCGAACTCACCCAACCTAAACTGGCTCTCAGTGAAGAAGATAAAGAGGTGAT[C>G]ATAGATTCTACCAATATTATATTCCACTGTGCAGCTACAGTAAGGTTTAATGAAAATTTA-3'
Protein context (NP_115604.1, residues 91-111): LALSEEDKEV[Ile101Met]IDSTNIIFHC